The following is an entry in ClinVar:

ClinVar aggregate classification (germline): Likely benign (0 of 4 stars; one submission).

Conditions:
PTPRS-related disorder. Also called: PTPRS-related condition.

Allele frequency attached by ClinVar (database versions not stated): 1000 Genomes Project 0.00120; 1000 Genomes Project 30x 0.00156; ExAC 0.00328.

Submission:

PreventionGenetics, part of Exact Sciences
Classification: Likely benign for PTPRS-related condition. Last evaluated: 2019-03-29. Review status: no assertion criteria provided. Collection method: clinical testing. Allele origin: germline.
Comment: This variant is classified as likely benign based on ACMG/AMP sequence variant interpretation guidelines (Richards et al. 2015 PMID: 25741868, with internal and published modifications).

NM_002850.4(PTPRS):c.2820C>T (p.Asn940=)

Gene: PTPRS (protein tyrosine phosphatase receptor type S; minus strand). Cytogenetic location: 19p13.3.
Variant type: single nucleotide variant.
Coding change: c.2820C>T on transcript NM_002850.4 (MANE Select); coding-DNA position 2820, C replaced by T.
Protein change: p.Asn940=; no amino-acid change (asparagine 940 retained).
Molecular consequence: synonymous variant. On other transcripts: intron variant (2).
Genome position (GRCh38, 1-based): chr19:5,222,972, G>A on the plus strand (C>T on the coding strand, the complement: PTPRS is on the minus strand). VCF-style: chr19-5222972-G-A. GRCh37 (hg19) VCF-style: chr19-5222983-G-A.
Other names: c.2754C>T, p.Asn918= (NM_001394011.1, NM_001394013.1, NM_130854.3); c.2781C>T, p.Asn927= (NM_001394012.1); c.1811-752C>T (NM_130853.3); c.1823-752C>T (NM_130855.3).
Identifiers: ClinVar variation 3050730 (VCV003050730.2), dbSNP rs182769562, ClinGen allele CA9109845.